The following is an entry in ClinVar:

NM_000077.5(CDKN2A):c.120del (p.Pro41fs)

Gene: CDKN2A (cyclin dependent kinase inhibitor 2A; minus strand). Cytogenetic location: 9p21.3.
Variant type: Deletion.
Coding change: c.120del on transcript NM_000077.5; coding-DNA position 120, one base deleted (A; older notation c.120delA).
Protein change: p.Pro41fs; shifts the reading frame from proline 41.
Molecular consequence: frameshift variant (on NM_000077.6). On other transcripts: intron variant (2).
Genome position (GRCh38, 1-based): chr9:21,974,708, T deleted on the plus strand (A on the coding strand, the reverse complement: CDKN2A is on the minus strand). VCF-style (leftmost placement, unchanged base first): chr9-21974707-GT-G. GRCh37 (hg19) VCF-style: chr9-21974706-GT-G.
Other names: c.120delA, p.Pro41Argfs (NM_000077.6); c.120del, p.Pro41fs (NM_001195132.2, NM_058197.5); c.-3-3500del (NM_001363763.2); c.194-3500del (NM_058195.4); short protein forms P41fs.
Identifiers: ClinVar variation 2866820 (VCV002866820.3), dbSNP rs2489290903, ClinGen allele CA645552605.

ClinVar aggregate classification (germline): Pathogenic (1 of 4 stars; one submission).

Conditions:
Familial melanoma. Also called: Hereditary melanoma; Hereditary cutaneous melanoma. Identifiers: Orphanet 618, MedGen C1512419, MONDO:0018961.

Submission:

Labcorp Genetics (formerly Invitae), Labcorp
Classification: Pathogenic for Familial melanoma. Last evaluated: 2023-05-22. Review status: criteria provided, single submitter. Criteria: Invitae Variant Classification Sherloc (09022015). Collection method: clinical testing. Allele origin: germline.
Comment: This variant has not been reported in the literature in individuals affected with CDKN2A (p16INK4a)-related conditions. For these reasons, this variant has been classified as Pathogenic. This variant is not present in population databases (gnomAD no frequency). This sequence change creates a premature translational stop signal (p.Pro41Argfs*12) in the CDKN2A (p16INK4a) gene. It is expected to result in an absent or disrupted protein product. Loss-of-function variants in CDKN2A (p16INK4a) are known to be pathogenic (PMID: 15146471, 16905682).

Literature cited by the submitters: PubMed 15146471; PubMed 16905682.